The following is an entry in ClinVar:

ClinVar aggregate classification (germline): Likely pathogenic (1 of 4 stars; one submission).

Conditions:
Parathyroid carcinoma (PRTC). Also called: CDC73-Related Parathyroid Carcinoma; Parathyroid gland carcinoma. Identifiers: Orphanet 143, MedGen C0687150, MONDO:0012004, OMIM 608266, HP:0006780.

Submission:

Labcorp Genetics (formerly Invitae), Labcorp
Classification: Likely pathogenic for Parathyroid carcinoma. Last evaluated: 2022-07-29. Review status: criteria provided, single submitter. Criteria: Invitae Variant Classification Sherloc (09022015). Collection method: clinical testing. Allele origin: germline.
Comment: In summary, the currently available evidence indicates that the variant is pathogenic, but additional data are needed to prove that conclusively. Therefore, this variant has been classified as Likely Pathogenic. This variant has not been reported in the literature in individuals affected with CDC73-related conditions. This variant is not present in population databases (gnomAD no frequency). This sequence change affects a splice site in intron 2 of the CDC73 gene. It is expected to disrupt RNA splicing. Variants that disrupt the donor or acceptor splice site typically lead to a loss of protein function (PMID: 16199547), and loss-of-function variants in CDC73 are known to be pathogenic (PMID: 12434154).

Literature cited by the submitters: PubMed 16199547; PubMed 12434154.

NM_024529.5(CDC73):c.237_237+1insA

Gene: CDC73 (cell division cycle 73; plus strand). Cytogenetic location: 1q31.2.
Variant type: Insertion.
Coding change: c.237_237+1insA on transcript NM_024529.5 (MANE Select); coding-DNA position 237 through the canonical splice donor site of the intron after coding-DNA position 237, A inserted.
Molecular consequence: splice donor variant.
Genome position: GRCh38 VCF-style: chr1-193125217-T-TA. GRCh37 (hg19) VCF-style: chr1-193094347-T-TA.
Identifiers: ClinVar variation 2020382 (VCV002020382.4), dbSNP rs2103114052, ClinGen allele CA2580061775.